The following is an entry in ClinVar:

ClinVar aggregate classification (germline): Likely benign. Review status: criteria provided, multiple submitters, no conflicts (2 of 4 stars). 3 submissions from 3 submitters: Likely benign (3). Last evaluated 2025-03-12.

Conditions:
Cardiovascular phenotype. Identifiers: MedGen CN230736.

Allele frequency attached by ClinVar (database versions not stated): gnomAD exomes 0.00001; gnomAD 0.00002; TOPMed 0.00002.
gnomAD v4.1: 20 of 1,548,562 alleles (0.0013%); highest among the groups gnomAD compares: South Asian, 0.0083%; no homozygotes.

Submissions (3):

Labcorp Genetics (formerly Invitae), Labcorp
Classification: Likely benign. Last evaluated: 2025-03-12. Review status: criteria provided, single submitter. Criteria: Invitae Variant Classification Sherloc (09022015). Collection method: clinical testing. Allele origin: germline.

CeGaT Center for Human Genetics Tuebingen
Classification: Likely benign. Last evaluated: 2022-08-01. Review status: criteria provided, single submitter. Criteria: CeGaT Center For Human Genetics Tuebingen Variant Classification Criteria Version 2. Collection method: clinical testing. Allele origin: germline. Affected: yes. Observed: 1 variant allele.
Comment: ZNF469: BP4, BP7

Ambry Genetics
Classification: Likely benign for Cardiovascular phenotype. Last evaluated: 2022-04-01. Review status: criteria provided, single submitter. Criteria: Ambry Variant Classification Scheme 2023. Collection method: clinical testing. Allele origin: germline.

NM_001367624.2(ZNF469):c.993G>A (p.Ala331=)

Gene: ZNF469 (zinc finger protein 469; plus strand). Cytogenetic location: 16q24.2.
Variant type: single nucleotide variant.
Coding change: c.993G>A on transcript NM_001367624.2 (MANE Select); coding-DNA position 993, G replaced by A.
Protein change: p.Ala331=; no amino-acid change (alanine 331 retained).
Molecular consequence: synonymous variant.
Genome position (GRCh38, 1-based): chr16:88,428,463, G>A. VCF-style: chr16-88428463-G-A. GRCh37 (hg19) VCF-style: chr16-88494871-G-A.
Other names: NM_001127464.1:c.993G>A.
Identifiers: ClinVar variation 1768673 (VCV001768673.29), dbSNP rs992546458, ClinGen allele CA286372314.